The following is an entry in ClinVar:

NM_001145809.2(MYH14):c.5127+10G>A

Gene: MYH14 (myosin heavy chain 14; plus strand). Cytogenetic location: 19q13.33.
Variant type: single nucleotide variant.
Coding change: c.5127+10G>A on transcript NM_001145809.2 (MANE Select); 10 bases into the intron after coding-DNA position 5127, G replaced by A.
Molecular consequence: intron variant.
Genome position (GRCh38, 1-based): chr19:50,291,058, G>A. VCF-style: chr19-50291058-G-A. GRCh37 (hg19) VCF-style: chr19-50794315-G-A.
Other names: c.5028+10G>A (NM_001077186.2); c.5004+10G>A (NM_024729.4).
Identifiers: ClinVar variation 164203 (VCV000164203.18), dbSNP rs370928889, ClinGen allele CA176923.
Genomic context (GRCh38, chr19:50,291,058, plus strand): 5'-TCTGCCGGCCAGGGCAAGGAGGAGGCGGTGAAGCAGCTTCGCAAGATGCAGGTAAGAGCC[G>A]GCGTGAGCTGCAGGGAGGGGAGGCTTTGGTGTCTTCAAGCCCCAACCATCACTCCAGGGT-3'

ClinVar aggregate classification (germline): Benign/Likely benign. Review status: criteria provided, multiple submitters, no conflicts (2 of 4 stars). 5 submissions from 5 submitters: Benign (2); Likely benign (3). Last evaluated 2026-03-31.

Conditions:
MYH14-related disorder. Also called: MYH14-related condition.

Allele frequency attached by ClinVar (database versions not stated): gnomAD exomes 0.00049; ExAC 0.00060; 1000 Genomes Project 30x 0.00109; 1000 Genomes Project 0.00120; gnomAD 0.00153; TOPMed 0.00178; ESP Exome Variant Server 0.00184.
gnomAD v4.1: 786 of 1,611,648 alleles (0.049%); highest among the groups gnomAD compares: African/African-American, 0.51%; 6 homozygotes.

Submissions (5):

Women's Health and Genetics/Laboratory Corporation of America, LabCorp
Classification: Benign. Last evaluated: 2026-03-31. Review status: criteria provided, single submitter. Criteria: LabCorp Variant Classification Summary - May 2015. Collection method: clinical testing. Allele origin: germline.

PreventionGenetics, part of Exact Sciences
Classification: Likely benign for MYH14-related condition. Last evaluated: 2026-02-18. Review status: criteria provided, single submitter. Criteria: ACMG Guidelines, 2015. Collection method: clinical testing. Allele origin: germline.
Comment: This variant is classified as likely benign based on ACMG/AMP sequence variant interpretation guidelines (Richards et al. 2015 PMID: 25741868, with internal and published modifications).

Labcorp Genetics (formerly Invitae), Labcorp
Classification: Benign. Last evaluated: 2025-11-04. Review status: criteria provided, single submitter. Criteria: Invitae Variant Classification Sherloc (09022015). Collection method: clinical testing. Allele origin: germline.

GeneDx
Classification: Likely benign. Last evaluated: 2018-07-06. Review status: criteria provided, single submitter. Criteria: GeneDx Variant Classification Process June 2021. Collection method: clinical testing. Allele origin: germline. Affected: yes.

Laboratory for Molecular Medicine, Mass General Brigham Personalized Medicine
Classification: Likely benign. Last evaluated: 2012-04-30. Review status: criteria provided, single submitter. Criteria: LMM Criteria. Collection method: clinical testing. Allele origin: germline. Observed: 1 variant allele.
Comment: 5127+10G>A in Intron 36 of MYH14: This variant is not expected to have clinical significance because it is not located within the conserved splice consensus seq uence and has been identified in 0.5% (16/3466) of African American chromosomes from a broad population by the NHLBI Exome Sequencing Project.